The following is an entry in ClinVar:

Conditions:
Arteriohepatic dysplasia. Also called: Alagille Syndrome. Identifiers: Orphanet 52, MedGen C0085280, MeSH D016738, MONDO:0007318.

Submission:

Gilbert/Spinner Lab, Children's Hospital of Philadelphia
No classification provided (evidence only). Condition: Alagille syndrome. Review status: no classification provided. Collection method: research. Allele origin: not applicable. Functional consequence: functionally_abnormal.
ClinVar note: "not provided" was previously submitted as the classification for the variant. However, the classification appeared to be based only on an observation of functional data so it was converted to no classification on 2025-07-30.

NM_000214.3(JAG1):c.965G>A (p.Cys322Tyr)

Gene: JAG1 (jagged canonical Notch ligand 1; minus strand). Cytogenetic location: 20p12.2.
Variant type: single nucleotide variant.
Coding change: c.965G>A on transcript NM_000214.3 (MANE Select); coding-DNA position 965, G replaced by A.
Protein change: p.Cys322Tyr; replaces cysteine 322 with tyrosine.
Molecular consequence: missense variant.
Genome position (GRCh38, 1-based): chr20:10,652,172, C>T on the plus strand (G>A on the coding strand, the complement: JAG1 is on the minus strand). VCF-style: chr20-10652172-C-T. GRCh37 (hg19) VCF-style: chr20-10632820-C-T.
Other names: short protein forms C322Y.
Identifiers: ClinVar variation 3573200 (VCV003573200.2).
Genomic context (GRCh38, chr20:10,652,172, plus strand): 5'-TTCATCTTGGACCACTTACCAATTTCACAGTTGGGTCCTGAATACCCCTCAGGGCAGGAA[C>T]ACTGATATTTGTCAGGGCCTGTGTTGCTACAAGTTCCCCCGTTGAGACACGGCTGATGAG-3'
Protein context (NP_000205.1, residues 312-332): CSNTGPDKYQ[Cys322Tyr]SCPEGYSGPN